The following is an entry in ClinVar:

NM_002473.6(MYH9):c.4379A>G (p.Tyr1460Cys)

Gene: MYH9 (myosin heavy chain 9; minus strand). Cytogenetic location: 22q12.3.
Variant type: single nucleotide variant.
Coding change: c.4379A>G on transcript NM_002473.6 (MANE Select); coding-DNA position 4379, A replaced by G.
Protein change: p.Tyr1460Cys; replaces tyrosine 1460 with cysteine.
Molecular consequence: missense variant.
Genome position (GRCh38, 1-based): chr22:36,289,263, T>C on the plus strand (A>G on the coding strand, the complement: MYH9 is on the minus strand). VCF-style: chr22-36289263-T-C. GRCh37 (hg19) VCF-style: chr22-36685309-T-C.
Other names: short protein forms Y1460C.
Identifiers: ClinVar variation 3347494 (VCV003347494.1).

ClinVar aggregate classification (germline): Uncertain significance (0 of 4 stars; one submission).

Conditions:
MYH9-related disorder. Identifiers: MedGen C1854520.

Submission:

PreventionGenetics, part of Exact Sciences
Classification: Uncertain significance for MYH9-related condition. Last evaluated: 2024-05-20. Review status: no assertion criteria provided. Collection method: clinical testing. Allele origin: germline.
Comment: The MYH9 c.4379A>G variant is predicted to result in the amino acid substitution p.Tyr1460Cys. To our knowledge, this variant has not been reported in the literature or in a large population database, indicating this variant is rare. At this time, the clinical significance of this variant is uncertain due to the absence of conclusive functional and genetic evidence.